The following is an entry in ClinVar:

ClinVar aggregate classification (germline): Uncertain significance (1 of 4 stars; one submission).

Allele frequency attached by ClinVar (database versions not stated): ExAC 0.00002; TOPMed 0.00006; gnomAD 0.00001.
gnomAD v4.1: 131 of 1,613,988 alleles (0.0081%); highest among the groups gnomAD compares: South Asian, 0.016%; no homozygotes.

Submission:

Labcorp Genetics (formerly Invitae), Labcorp
Classification: Uncertain significance. Last evaluated: 2022-08-26. Review status: criteria provided, single submitter. Criteria: Invitae Variant Classification Sherloc (09022015). Collection method: clinical testing. Allele origin: germline.
Comment: In summary, the available evidence is currently insufficient to determine the role of this variant in disease. Therefore, it has been classified as a Variant of Uncertain Significance. Algorithms developed to predict the effect of missense changes on protein structure and function are either unavailable or do not agree on the potential impact of this missense change (SIFT: "Deleterious"; PolyPhen-2: "Possibly Damaging"; Align-GVGD: "Class C0"). This variant has not been reported in the literature in individuals affected with ELP4-related conditions. This variant is present in population databases (rs771110207, gnomAD 0.01%). This sequence change replaces arginine, which is basic and polar, with cysteine, which is neutral and slightly polar, at codon 395 of the ELP4 protein (p.Arg395Cys).

NM_019040.5(ELP4):c.1183C>T (p.Arg395Cys)

Gene: ELP4 (elongator acetyltransferase complex subunit 4; plus strand). Cytogenetic location: 11p13.
Variant type: single nucleotide variant.
Coding change: c.1183C>T on transcript NM_019040.5 (MANE Select); coding-DNA position 1183, C replaced by T.
Protein change: p.Arg395Cys; replaces arginine 395 with cysteine.
Molecular consequence: missense variant. On other transcripts: 3 prime UTR variant (1).
Genome position (GRCh38, 1-based): chr11:31,783,432, C>T. VCF-style: chr11-31783432-C-T. GRCh37 (hg19) VCF-style: chr11-31804980-C-T.
Other names: c.1325C>T, p.Pro442Leu (NM_001288725.2); c.*3C>T (NM_001288726.2); short protein forms P442L, R395C.
Identifiers: ClinVar variation 2065488 (VCV002065488.4), dbSNP rs771110207, ClinGen allele CA5933567.
Genomic context (GRCh38, chr11:31,783,432, plus strand): 5'-TCCTGAAATCTTCTGCCATAGCGACTGCATTTGCCTCCAGACTTGTCAGACACAGTGAGC[C>T]GCTCAAGCAAAATGGATCTGGCAGAATCCGCCAAGCGGCTGGGCCCAGGCTGTGGCATGA-3'
Protein context (NP_061913.3, residues 385-405): LPPDLSDTVS[Arg395Cys]SSKMDLAESA